The following is an entry in ClinVar:

NM_003730.6(RNASET2):c.710dup (p.Leu238fs)

Gene: RNASET2 (ribonuclease T2; minus strand). Cytogenetic location: 6q27.
Variant type: Duplication.
Coding change: c.710dup on transcript NM_003730.6 (MANE Select); coding-DNA position 710, one base duplicated (G; older notation c.710dupG).
Protein change: p.Leu238fs; shifts the reading frame from leucine 238.
Molecular consequence: frameshift variant.
Genome position (GRCh38, 1-based): chr6:166,929,649, C duplicated on the plus strand (G on the coding strand, the reverse complement: RNASET2 is on the minus strand); the first of 4 consecutive C bases (chr6:166,929,649-166,929,652); duplicating any one gives the same sequence. VCF-style (leftmost placement, unchanged base first): chr6-166929648-A-AC. GRCh37 (hg19) VCF-style: chr6-167343136-A-AC.
Other names: c.710dupG (NM_003730.6); short protein forms L238fs.
Identifiers: ClinVar variation 436545 (VCV000436545.8), dbSNP rs763295910, ClinGen allele CA4094804.

ClinVar aggregate classification (germline): Conflicting classifications of pathogenicity. Review status: criteria provided, conflicting classifications (1 of 4 stars). 3 submissions from 3 submitters: Likely pathogenic (2); Uncertain significance (1). Last evaluated 2024-05-30.

Conditions:
RNASET2-related disorder. Also called: RNASET2-related condition.
Cystic leukoencephalopathy without megalencephaly. Identifiers: Orphanet 85136, MedGen C2751843, MONDO:0013058, OMIM 612951.

Submissions (3):

Women's Health and Genetics/Laboratory Corporation of America, LabCorp
Classification: Uncertain significance. Last evaluated: 2024-05-30. Review status: criteria provided, single submitter. Criteria: LabCorp Variant Classification Summary - May 2015. Collection method: clinical testing. Allele origin: germline.
Comment: Variant summary: RNASET2 c.710dupG (p.Leu238SerfsX5) results in a premature termination codon, predicted to cause a truncation of the encoded protein. No downstream pathogenic variants have been reported. The variant allele was found at a frequency of 2.8e-05 in 251430 control chromosomes. The available data on variant occurrences in the general population are insufficient to allow any conclusion about variant significance. c.710dupG has been reported in the literature in one individual affected with Cystic leukoencephalopathy without megalencephaly (Kuster_2017, Rice_2017). These data do not allow any conclusion about variant significance. To our knowledge, no experimental evidence demonstrating an impact on protein function has been reported. The following publications have been ascertained in the context of this evaluation (PMID: 28924877, 27943079). ClinVar contains an entry for this variant (Variation ID: 436545). Based on the evidence outlined above, the variant was classified as uncertain significance.

Blueprint Genetics
Classification: Likely pathogenic for RNASET2-related disorders. Last evaluated: 2023-06-20. Review status: criteria provided, single submitter. Criteria: ACMG Guidelines, 2015. Collection method: clinical testing. Allele origin: germline. Affected: yes. Observed: 5 variant alleles.

Genetic Services Laboratory, University of Chicago
Classification: Likely pathogenic for Leukoencephalopathy, cystic, without megalencephaly. Last evaluated: 2016-11-17. Review status: criteria provided, single submitter. Criteria: ACMG Guidelines, 2015. Collection method: clinical testing. Allele origin: germline. Affected: yes.

Literature cited by the submitters: PubMed 28924877 (cited by Women's Health and Genetics/Laboratory Corporation of America, LabCorp); PubMed 27943079 (cited by Women's Health and Genetics/Laboratory Corporation of America, LabCorp).